The following is an entry in ClinVar:

ClinVar aggregate classification (germline): Uncertain significance. Review status: criteria provided, multiple submitters, no conflicts (2 of 4 stars). 3 submissions from 3 submitters: Uncertain significance (3). Last evaluated 2026-07-07.

Conditions:
Catecholaminergic polymorphic ventricular tachycardia 1. Also called: VENTRICULAR TACHYCARDIA, CATECHOLAMINERGIC POLYMORPHIC, 1, WITH OR WITHOUT ATRIAL DYSFUNCTION AND/OR DILATED CARDIOMYOPATHY; VENTRICULAR TACHYCARDIA, STRESS-INDUCED POLYMORPHIC 1; RYR2-Related Catecholaminergic Polymorphic Ventricular Tachycardia. Identifiers: Orphanet 3286, MedGen C1631597, MONDO:0011484, OMIM 604772.
Cardiovascular phenotype. Identifiers: MedGen CN230736.
Cardiomyopathy (CMYO). Also called: Cardiomyopathies. Identifiers: Orphanet 167848, MedGen C0878544, MONDO:0004994, HP:0001638. Inheritance: Various modes of inheritance.

Allele frequency attached by ClinVar (database versions not stated): gnomAD exomes below 0.00001.
gnomAD v4.1: 4 of 1,614,042 alleles (0.00025%); highest among the groups gnomAD compares: Non-Finnish European, 0.00034%; no homozygotes.

Submissions (3):

Ambry Genetics
Classification: Uncertain significance for Cardiovascular phenotype. Last evaluated: 2026-07-07. Review status: criteria provided, single submitter. Criteria: Ambry Variant Classification Scheme 2023. Collection method: clinical testing. Allele origin: germline.
Comment: The p.T1813A variant (also known as c.5437A>G), located in coding exon 37 of the RYR2 gene, results from an A to G substitution at nucleotide position 5437. The threonine at codon 1813 is replaced by alanine, an amino acid with similar properties. This amino acid position is conserved. In addition, this alteration is predicted to be tolerated by in silico analysis. Based on the available evidence, the clinical significance of this variant remains unclear.

Color Diagnostics, LLC DBA Color Health
Classification: Uncertain significance for Cardiomyopathy. Last evaluated: 2024-02-12. Review status: criteria provided, single submitter. Criteria: ACMG Guidelines, 2015. Collection method: clinical testing. Allele origin: germline.
Comment: This missense variant replaces threonine with alanine at codon 1813 of the RYR2 protein. Computational prediction suggests that this variant may not impact protein structure and function (internally defined REVEL score threshold <= 0.5, PMID: 27666373). To our knowledge, functional studies have not been reported for this variant. This variant has not been reported in individuals affected with RYR2-related disorders in the literature. This variant has not been identified in the general population by the Genome Aggregation Database (gnomAD). The available evidence is insufficient to determine the role of this variant in disease conclusively. Therefore, this variant is classified as a Variant of Uncertain Significance.

Labcorp Genetics (formerly Invitae), Labcorp
Classification: Uncertain significance for Catecholaminergic polymorphic ventricular tachycardia 1. Last evaluated: 2022-05-08. Review status: criteria provided, single submitter. Criteria: Invitae Variant Classification Sherloc (09022015). Collection method: clinical testing. Allele origin: germline.
Comment: In summary, the available evidence is currently insufficient to determine the role of this variant in disease. Therefore, it has been classified as a Variant of Uncertain Significance. Advanced modeling of protein sequence and biophysical properties (such as structural, functional, and spatial information, amino acid conservation, physicochemical variation, residue mobility, and thermodynamic stability) performed at Invitae indicates that this missense variant is not expected to disrupt RYR2 protein function. This variant has not been reported in the literature in individuals affected with RYR2-related conditions. This variant is not present in population databases (gnomAD no frequency). This sequence change replaces threonine, which is neutral and polar, with alanine, which is neutral and non-polar, at codon 1813 of the RYR2 protein (p.Thr1813Ala).

NM_001035.3(RYR2):c.5437A>G (p.Thr1813Ala)

Gene: RYR2 (ryanodine receptor 2; plus strand). Cytogenetic location: 1q43.
Variant type: single nucleotide variant.
Coding change: c.5437A>G on transcript NM_001035.3 (MANE Select); coding-DNA position 5437, A replaced by G.
Protein change: p.Thr1813Ala; replaces threonine 1813 with alanine.
Molecular consequence: missense variant.
Genome position (GRCh38, 1-based): chr1:237,614,565, A>G. VCF-style: chr1-237614565-A-G. GRCh37 (hg19) VCF-style: chr1-237777865-A-G.
Other names: c.5437A>G (NM_001035.2); short protein forms T1813A.
Identifiers: ClinVar variation 2157244 (VCV002157244.6), dbSNP rs2546795535, ClinGen allele CA345405021.